The following is an entry in ClinVar:

ClinVar aggregate classification (germline): Uncertain significance (1 of 4 stars; one submission).

Submission:

Labcorp Genetics (formerly Invitae), Labcorp
Classification: Uncertain significance. Last evaluated: 2024-07-03. Review status: criteria provided, single submitter. Criteria: Invitae Variant Classification Sherloc (09022015). Collection method: clinical testing. Allele origin: germline.
Comment: This sequence change replaces valine, which is neutral and non-polar, with methionine, which is neutral and non-polar, at codon 228 of the LOX protein (p.Val228Met). This variant is not present in population databases (gnomAD no frequency). This variant has not been reported in the literature in individuals affected with LOX-related conditions. Advanced modeling of protein sequence and biophysical properties (such as structural, functional, and spatial information, amino acid conservation, physicochemical variation, residue mobility, and thermodynamic stability) has been performed at Invitae for this missense variant, however the output from this modeling did not meet the statistical confidence thresholds required to predict the impact of this variant on LOX protein function. In summary, the available evidence is currently insufficient to determine the role of this variant in disease. Therefore, it has been classified as a Variant of Uncertain Significance.

NM_002317.7(LOX):c.682G>A (p.Val228Met)

Genes: LOX (lysyl oxidase; minus strand), SRFBP1 (serum response factor binding protein 1; plus strand). Cytogenetic location: 5q23.1.
Variant type: single nucleotide variant.
Coding change: c.682G>A on transcript NM_002317.7 (MANE Select); coding-DNA position 682, G replaced by A.
Protein change: p.Val228Met; replaces valine 228 with methionine.
Molecular consequence: missense variant. On other transcripts: 5 prime UTR variant (1), intron variant (1).
Genome position (GRCh38, 1-based): chr5:122,076,951, C>T on the plus strand (G>A on the coding strand, the complement: LOX is on the minus strand). VCF-style: chr5-122076951-C-T. GRCh37 (hg19) VCF-style: chr5-121412646-C-T.
Other names: c.-9G>A (NM_001178102.2); c.-152+141G>A (NM_001317073.1); short protein forms V228M.
Identifiers: ClinVar variation 3693202 (VCV003693202.2).